The following is an entry in ClinVar:

ClinVar aggregate classification (germline): Benign/Likely benign. Review status: criteria provided, multiple submitters, no conflicts (2 of 4 stars). 5 submissions from 5 submitters: Benign (2); Likely benign (3). Last evaluated 2025-07-31.

Conditions:
Hereditary nonpolyposis colorectal neoplasms. Identifiers: MedGen C0009405, MeSH D003123.
Hereditary cancer-predisposing syndrome. Also called: Hereditary Cancer Syndrome; Hereditary neoplastic syndrome; Neoplastic Syndromes, Hereditary; Tumor predisposition. Identifiers: Orphanet 140162, MedGen C0027672, MeSH D009386, MONDO:0015356.
Lynch syndrome 5 (LYNCH5). Also called: Hereditary non-polyposis colorectal cancer, type 5; Colorectal cancer, hereditary nonpolyposis, type 5. Identifiers: Orphanet 144, MedGen C1833477, MONDO:0013710, OMIM 614350. Disease mechanism: loss of function.

Allele frequency attached by ClinVar (database versions not stated): TOPMed 0.00002.
gnomAD v4.1: 5 of 1,610,550 alleles (0.00031%); highest among the groups gnomAD compares: African/African-American, 0.0027%; no homozygotes.

Submissions (5):

Labcorp Genetics (formerly Invitae), Labcorp
Classification: Benign for Hereditary nonpolyposis colorectal neoplasms. Last evaluated: 2025-07-31. Review status: criteria provided, single submitter. Criteria: Invitae Variant Classification Sherloc (09022015). Collection method: clinical testing. Allele origin: germline.

Myriad Genetics, Inc.
Classification: Benign for Lynch syndrome 5. Last evaluated: 2024-12-17. Review status: criteria provided, single submitter. Criteria: Myriad Autosomal Dominant, Autosomal Recessive and X-Linked Classification Criteria (2023). Collection method: clinical testing. Allele origin: unknown.
Comment: This variant is considered benign. This variant is a silent/synonymous amino acid change and it is not expected to impact splicing.

Women's Health and Genetics/Laboratory Corporation of America, LabCorp
Classification: Likely benign. Last evaluated: 2024-06-29. Review status: criteria provided, single submitter. Criteria: LabCorp Variant Classification Summary - May 2015. Collection method: clinical testing. Allele origin: germline.

Color Diagnostics, LLC DBA Color Health
Classification: Likely benign for Hereditary cancer-predisposing syndrome. Last evaluated: 2019-03-21. Review status: criteria provided, single submitter. Criteria: ACMG Guidelines, 2015. Collection method: clinical testing. Allele origin: germline.

Ambry Genetics
Classification: Likely benign for Hereditary cancer-predisposing syndrome. Last evaluated: 2015-05-15. Review status: criteria provided, single submitter. Criteria: Ambry Variant Classification Scheme 2023. Collection method: clinical testing. Allele origin: germline.

NM_000179.3(MSH6):c.102C>T (p.Ala34=)

Gene: MSH6 (mutS homolog 6; plus strand). Cytogenetic location: 2p16.3.
Variant type: single nucleotide variant.
Coding change: c.102C>T on transcript NM_000179.3 (MANE Select); coding-DNA position 102, C replaced by T.
Protein change: p.Ala34=; no amino-acid change (alanine 34 retained).
Molecular consequence: synonymous variant. On other transcripts: 5 prime UTR variant (1).
Genome position (GRCh38, 1-based): chr2:47,783,335, C>T. VCF-style: chr2-47783335-C-T. GRCh37 (hg19) VCF-style: chr2-48010474-C-T.
Other names: c.102C>T, p.Ala34= (NM_001281492.2); c.-635C>T (NM_001281493.2).
Identifiers: ClinVar variation 455105 (VCV000455105.20), dbSNP rs201132087, ClinGen allele CA426120578.